The following is an entry in ClinVar:

ClinVar aggregate classification (germline): Likely benign (1 of 4 stars; one submission).

Allele frequency attached by ClinVar (database versions not stated): gnomAD exomes below 0.00001.
gnomAD v4.1: 6 of 1,566,256 alleles (0.00038%); highest among the groups gnomAD compares: Non-Finnish European, 0.00052%; no homozygotes.

Submission:

GeneDx
Classification: Likely benign. Last evaluated: 2018-04-23. Review status: criteria provided, single submitter. Criteria: GeneDx Variant Classification (06012015). Collection method: clinical testing. Allele origin: germline. Affected: yes.
Comment: This variant is considered likely benign or benign based on one or more of the following criteria: it is a conservative change, it occurs at a poorly conserved position in the protein, it is predicted to be benign by multiple in silico algorithms, and/or has population frequency not consistent with disease.

NM_001267550.2(TTN):c.96892C>G (p.Gln32298Glu)

Genes: TTN (titin; minus strand), TTN-AS1 (TTN antisense RNA 1; plus strand), LOC126806421 (CDK7 strongly-dependent group 2 enhancer GRCh37_chr2:179407630-179408829; plus strand). Cytogenetic location: 2q31.2.
Variant type: single nucleotide variant.
Coding change: c.96892C>G on transcript NM_001267550.2 (MANE Select); coding-DNA position 96892, C replaced by G.
Protein change: p.Gln32298Glu; replaces glutamine 32298 with glutamic acid.
Molecular consequence: missense variant.
Genome position (GRCh38, 1-based): chr2:178,543,081, G>C on the plus strand (C>G on the coding strand, the complement: TTN is on the minus strand). VCF-style: chr2-178543081-G-C. GRCh37 (hg19) VCF-style: chr2-179407808-G-C.
Other names: c.91969C>G, p.Gln30657Glu (NM_001256850.1); c.69697C>G, p.Gln23233Glu (NM_003319.4); c.89188C>G, p.Gln29730Glu (NM_133378.4); c.70072C>G, p.Gln23358Glu (NM_133432.3); c.70273C>G, p.Gln23425Glu (NM_133437.4); short protein forms Q23425E, Q29730E, Q23358E, Q30657E, Q23233E, Q32298E.
Identifiers: ClinVar variation 679594 (VCV000679594.1), dbSNP rs201108270, ClinGen allele CA1986693.